The following is an entry in ClinVar:

NM_004415.4(DSP):c.7382T>A (p.Leu2461His)

Gene: DSP (desmoplakin; plus strand). Cytogenetic location: 6p24.3.
Variant type: single nucleotide variant.
Coding change: c.7382T>A on transcript NM_004415.4 (MANE Select); coding-DNA position 7382, T replaced by A.
Protein change: p.Leu2461His; replaces leucine 2461 with histidine.
Molecular consequence: missense variant.
Genome position (GRCh38, 1-based): chr6:7,584,644, T>A. VCF-style: chr6-7584644-T-A. GRCh37 (hg19) VCF-style: chr6-7584877-T-A.
Other names: c.5585T>A, p.Leu1862His (NM_001008844.3); c.6053T>A, p.Leu2018His (NM_001319034.2); short protein forms L2461H, L1862H, L2018H.
Identifiers: ClinVar variation 1990948 (VCV001990948.6), dbSNP rs2533945560, ClinGen allele CA362692879.

ClinVar aggregate classification (germline): Uncertain significance. Review status: criteria provided, multiple submitters, no conflicts (2 of 4 stars). 2 submissions from 2 submitters: Uncertain significance (2). Last evaluated 2023-03-29.

Conditions:
Arrhythmogenic right ventricular dysplasia 8 (ARVD8). Also called: ARRHYTHMOGENIC RIGHT VENTRICULAR DYSPLASIA, FAMILIAL, 8; Arrhythmogenic Right Ventricular Dysplasia/Cardiomyopathy 8; ARRHYTHMOGENIC RIGHT VENTRICULAR CARDIOMYOPATHY 8. Identifiers: MedGen C1843896, MONDO:0011831, OMIM 607450.
Arrhythmogenic cardiomyopathy with wooly hair and keratoderma. Also called: PALMOPLANTAR KERATODERMA WITH LEFT VENTRICULAR CARDIOMYOPATHY AND WOOLLY HAIR; Carvajal syndrome; Arrhythmogenic cardiomyopathy with woolly hair and keratoderma; Dilated cardiomyopathy with woolly hair and keratoderma. Identifiers: Orphanet 65282, MedGen C1854063, MONDO:0011581, OMIM 605676.
Cardiovascular phenotype. Identifiers: MedGen CN230736.

Allele frequency attached by ClinVar (database versions not stated): gnomAD exomes below 0.00001.
gnomAD v4.1: 1 of 1,614,002 alleles (0.000062%); highest among the groups gnomAD compares: African/African-American, 0.0013%; no homozygotes.

Submissions (2):

Ambry Genetics
Classification: Uncertain significance for Cardiovascular phenotype. Last evaluated: 2023-03-29. Review status: criteria provided, single submitter. Criteria: Ambry Variant Classification Scheme 2023. Collection method: clinical testing. Allele origin: germline.
Comment: The p.L2461H variant (also known as c.7382T>A), located in coding exon 24 of the DSP gene, results from a T to A substitution at nucleotide position 7382. The leucine at codon 2461 is replaced by histidine, an amino acid with similar properties. This amino acid position is conserved. In addition, this alteration is predicted to be deleterious by in silico analysis. Since supporting evidence is limited at this time, the clinical significance of this alteration remains unclear.

Labcorp Genetics (formerly Invitae), Labcorp
Classification: Uncertain significance for Arrhythmogenic cardiomyopathy with wooly hair and keratoderma; Arrhythmogenic right ventricular dysplasia 8. Last evaluated: 2022-10-25. Review status: criteria provided, single submitter. Criteria: Invitae Variant Classification Sherloc (09022015). Collection method: clinical testing. Allele origin: germline.
Comment: Algorithms developed to predict the effect of missense changes on protein structure and function are either unavailable or do not agree on the potential impact of this missense change (SIFT: "Deleterious"; PolyPhen-2: "Probably Damaging"; Align-GVGD: "Class C0"). In summary, the available evidence is currently insufficient to determine the role of this variant in disease. Therefore, it has been classified as a Variant of Uncertain Significance. This variant has not been reported in the literature in individuals affected with DSP-related conditions. This variant is not present in population databases (gnomAD no frequency). This sequence change replaces leucine, which is neutral and non-polar, with histidine, which is basic and polar, at codon 2461 of the DSP protein (p.Leu2461His).